The following is an entry in ClinVar:

NM_001257180.2(SLC20A2):c.919C>T (p.Pro307Ser)

Gene: SLC20A2 (solute carrier family 20 member 2; minus strand). Cytogenetic location: 8p11.21.
Variant type: single nucleotide variant.
Coding change: c.919C>T on transcript NM_001257180.2 (MANE Select); coding-DNA position 919, C replaced by T.
Protein change: p.Pro307Ser; replaces proline 307 with serine.
Molecular consequence: missense variant.
Genome position (GRCh38, 1-based): chr8:42,439,465, G>A on the plus strand (C>T on the coding strand, the complement: SLC20A2 is on the minus strand). VCF-style: chr8-42439465-G-A. GRCh37 (hg19) VCF-style: chr8-42296983-G-A.
Other names: c.919C>T, p.Pro307Ser (NM_001257181.2, NM_006749.5); short protein forms P307S.
Identifiers: ClinVar variation 1899429 (VCV001899429.5), dbSNP rs748493858, ClinGen allele CA4733434.

ClinVar aggregate classification (germline): Uncertain significance (1 of 4 stars; one submission).

Allele frequency attached by ClinVar (database versions not stated): gnomAD exomes below 0.00001.

Submission:

Labcorp Genetics (formerly Invitae), Labcorp
Classification: Uncertain significance. Last evaluated: 2021-12-30. Review status: criteria provided, single submitter. Criteria: Invitae Variant Classification Sherloc (09022015). Collection method: clinical testing. Allele origin: germline.
Comment: In summary, the available evidence is currently insufficient to determine the role of this variant in disease. Therefore, it has been classified as a Variant of Uncertain Significance. Algorithms developed to predict the effect of missense changes on protein structure and function output the following: SIFT: "Tolerated"; PolyPhen-2: "Benign"; Align-GVGD: "Class C0". The serine amino acid residue is found in multiple mammalian species, which suggests that this missense change does not adversely affect protein function. This variant has not been reported in the literature in individuals affected with SLC20A2-related conditions. This variant is present in population databases (rs748493858, gnomAD 0.003%). This sequence change replaces proline, which is neutral and non-polar, with serine, which is neutral and polar, at codon 307 of the SLC20A2 protein (p.Pro307Ser).